The following is an entry in ClinVar:

NM_000057.4(BLM):c.358_359dup (p.Thr121fs)

Gene: BLM (BLM RecQ like helicase; plus strand). Cytogenetic location: 15q26.1.
Variant type: Duplication.
Coding change: c.358_359dup on transcript NM_000057.4 (MANE Select); coding-DNA positions 358 to 359, 2 bases duplicated (TG; older notation c.358_359dupTG).
Protein change: p.Thr121fs; shifts the reading frame from threonine 121.
Molecular consequence: frameshift variant. On other transcripts: 5 prime UTR variant (1).
Genome position (GRCh38, 1-based): chr15:90,749,626-90,749,627, TG duplicated. VCF-style (leftmost placement, unchanged base first): chr15-90749625-A-ATG. GRCh37 (hg19) VCF-style: chr15-91292855-A-ATG.
Other names: c.358_359dup, p.Thr121fs (NM_001287246.2, NM_001287247.2); c.-934_-933dup (NM_001287248.2); short protein forms T121fs.
Identifiers: ClinVar variation 2160229 (VCV002160229.4), dbSNP rs2505391788, ClinGen allele CA2580090255.

ClinVar aggregate classification (germline): Pathogenic (1 of 4 stars; one submission).

Conditions:
Bloom syndrome (BLM). Also called: Bloom-Torre-Machacek syndrome. Identifiers: Orphanet 125, MedGen C0005859, MONDO:0008876, OMIM 210900.

Submission:

Labcorp Genetics (formerly Invitae), Labcorp
Classification: Pathogenic for Bloom syndrome. Last evaluated: 2022-07-06. Review status: criteria provided, single submitter. Criteria: Invitae Variant Classification Sherloc (09022015). Collection method: clinical testing. Allele origin: germline.
Comment: For these reasons, this variant has been classified as Pathogenic. This variant has not been reported in the literature in individuals affected with BLM-related conditions. This variant is not present in population databases (gnomAD no frequency). This sequence change creates a premature translational stop signal (p.Thr121Alafs*9) in the BLM gene. It is expected to result in an absent or disrupted protein product. Loss-of-function variants in BLM are known to be pathogenic (PMID: 17407155).

Literature cited by the submitters: PubMed 17407155.